The following is an entry in ClinVar:

NM_020297.4(ABCC9):c.2425-1G>T

Gene: ABCC9 (ATP binding cassette subfamily C member 9; minus strand). Cytogenetic location: 12p12.1.
Variant type: single nucleotide variant.
Coding change: c.2425-1G>T on transcript NM_020297.4 (MANE Select); the canonical splice acceptor site of the intron before coding-DNA position 2425, G replaced by T.
Molecular consequence: splice acceptor variant.
Genome position (GRCh38, 1-based): chr12:21,859,667, C>A on the plus strand (G>T on the coding strand, the complement: ABCC9 is on the minus strand). VCF-style: chr12-21859667-C-A. GRCh37 (hg19) VCF-style: chr12-22012601-C-A.
Other names: c.1558-1G>T (NM_001377274.1); c.2425-1G>T (NM_005691.4, NM_001377273.1).
Identifiers: ClinVar variation 958344 (VCV000958344.8), dbSNP rs771241172, ClinGen allele CA6481372.

ClinVar aggregate classification (germline): Likely pathogenic (1 of 4 stars; one submission).

Conditions:
Dilated cardiomyopathy 1O (CMD1O). Also called: CARDIOMYOPATHY, DILATED, WITH VENTRICULAR TACHYCARDIA. Identifiers: Orphanet 154, MedGen C1837839, MONDO:0012062, OMIM 608569.

Allele frequency attached by ClinVar (database versions not stated): gnomAD exomes below 0.00001; ExAC 0.00001; gnomAD 0.00001; TOPMed 0.00001.
gnomAD v4.1: 7 of 1,613,598 alleles (0.00043%); highest among the groups gnomAD compares: Non-Finnish European, 0.00059%; no homozygotes.

Submission:

Labcorp Genetics (formerly Invitae), Labcorp
Classification: Likely pathogenic for Dilated cardiomyopathy 1O. Last evaluated: 2025-03-11. Review status: criteria provided, single submitter. Criteria: Invitae Variant Classification Sherloc (09022015). Collection method: clinical testing. Allele origin: germline.
Comment: This sequence change affects an acceptor splice site in intron 19 of the ABCC9 gene. It is expected to disrupt RNA splicing. Variants that disrupt the donor or acceptor splice site typically lead to a loss of protein function (PMID: 16199547), and loss-of-function variants in ABCC9 are known to be pathogenic (PMID: 31575858, 38217872). This variant is not present in population databases (gnomAD no frequency). This variant has not been reported in the literature in individuals affected with ABCC9-related conditions. ClinVar contains an entry for this variant (Variation ID: 958344). Algorithms developed to predict the effect of sequence changes on RNA splicing suggest that this variant may disrupt the consensus splice site. In summary, the currently available evidence indicates that the variant is pathogenic, but additional data are needed to prove that conclusively. Therefore, this variant has been classified as Likely Pathogenic.

Literature cited by the submitters: PubMed 16199547; PubMed 31575858; PubMed 38217872.